The following is an entry in ClinVar:

ClinVar aggregate classification (germline): Uncertain significance (1 of 4 stars; one submission).

Conditions:
Amyotrophic lateral sclerosis type 1 (ALS1). Also called: AMYOTROPHIC LATERAL SCLEROSIS 1, FAMILIAL. Identifiers: Orphanet 803, MedGen C1862939, MONDO:0007103, OMIM 105400.
Perry syndrome. Also called: PARKINSONISM WITH ALVEOLAR HYPOVENTILATION AND MENTAL DEPRESSION. Identifiers: Orphanet 178509, MedGen C1868594, MONDO:0008201, OMIM 168605.
Neuronopathy, distal hereditary motor, type 7B. Also called: NEURONOPATHY, DISTAL HEREDITARY MOTOR, AUTOSOMAL DOMINANT 14; NEURONOPATHY, DISTAL HEREDITARY MOTOR, HARDING TYPE VIIB; NEUROPATHY, DISTAL HEREDITARY MOTOR, HARDING TYPE VIIB; NEUROPATHY, DISTAL HEREDITARY MOTOR, WITH VOCAL CORD PARALYSIS, HARDING TYPE VIIB; HMN VIIB; LOWER MOTOR NEURON DISEASE, DYNACTIN TYPE. Identifiers: Orphanet 139589, MedGen C1843315, MONDO:0011879, OMIM 607641.

Allele frequency attached by ClinVar (database versions not stated): gnomAD exomes below 0.00001.
gnomAD v4.1: 1 of 1,594,540 alleles (0.000063%); highest among the groups gnomAD compares: Middle Eastern, 0.018%; no homozygotes.

Submission:

Labcorp Genetics (formerly Invitae), Labcorp
Classification: Uncertain significance for Amyotrophic lateral sclerosis type 1; Neuronopathy, distal hereditary motor, type 7B; Perry syndrome. Last evaluated: 2024-08-01. Review status: criteria provided, single submitter. Criteria: Invitae Variant Classification Sherloc (09022015). Collection method: clinical testing. Allele origin: germline.
Comment: This sequence change replaces serine, which is neutral and polar, with asparagine, which is neutral and polar, at codon 180 of the DCTN1 protein (p.Ser180Asn). This variant is not present in population databases (gnomAD no frequency). This variant has not been reported in the literature in individuals affected with DCTN1-related conditions. ClinVar contains an entry for this variant (Variation ID: 844946). Advanced modeling of protein sequence and biophysical properties (such as structural, functional, and spatial information, amino acid conservation, physicochemical variation, residue mobility, and thermodynamic stability) performed at Invitae indicates that this missense variant is not expected to disrupt DCTN1 protein function with a negative predictive value of 80%. In summary, the available evidence is currently insufficient to determine the role of this variant in disease. Therefore, it has been classified as a Variant of Uncertain Significance.

NM_004082.5(DCTN1):c.539G>A (p.Ser180Asn)

Gene: DCTN1 (dynactin subunit 1; minus strand). Cytogenetic location: 2p13.1.
Variant type: single nucleotide variant.
Coding change: c.539G>A on transcript NM_004082.5 (MANE Select); coding-DNA position 539, G replaced by A.
Protein change: p.Ser180Asn; replaces serine 180 with asparagine.
Molecular consequence: missense variant. On other transcripts: non-coding transcript variant (1).
Genome position (GRCh38, 1-based): chr2:74,371,643, C>T on the plus strand (G>A on the coding strand, the complement: DCTN1 is on the minus strand). VCF-style: chr2-74371643-C-T. GRCh37 (hg19) VCF-style: chr2-74598770-C-T.
Other names: c.479G>A, p.Ser160Asn (NM_001135040.3); c.137G>A, p.Ser46Asn (NM_001135041.3, NM_023019.4); c.428G>A, p.Ser143Asn (NM_001190836.2); c.518G>A, p.Ser173Asn (NM_001190837.2); c.488G>A, p.Ser163Asn (NM_001378991.1); c.470G>A, p.Ser157Asn (NM_001378992.1); short protein forms S143N, S46N, S160N, S173N, S180N, S157N, S163N.
Identifiers: ClinVar variation 844946 (VCV000844946.9), dbSNP rs1365948671, ClinGen allele CA347367414.